The following is an entry in ClinVar:

ClinVar aggregate classification (germline): Likely benign. Review status: criteria provided, multiple submitters, no conflicts (2 of 4 stars). 7 submissions from 7 submitters: Likely benign (6). 1 of the submissions does not count toward it. Last evaluated 2026-02-03.

Conditions:
PIEZO1-related disorder. Also called: PIEZO1-Related Disorders; PIEZO1-related condition.

Allele frequency attached by ClinVar (database versions not stated): gnomAD exomes 0.00078 and 0.00119; 1000 Genomes Project 0.00080; gnomAD 0.00089; 1000 Genomes Project 30x 0.00094; ExAC 0.00100; TOPMed 0.00108.
gnomAD v4.1: 1,294 of 1,550,028 alleles (0.083%); highest among the groups gnomAD compares: Middle Eastern, 1.3%; 4 homozygotes.

Submissions (7):

Labcorp Genetics (formerly Invitae), Labcorp
Classification: Likely benign. Last evaluated: 2026-02-03. Review status: criteria provided, single submitter. Criteria: Invitae Variant Classification Sherloc (09022015). Collection method: clinical testing. Allele origin: germline.

Genomic Medicine Center of Excellence, King Faisal Specialist Hospital and Research Centre
Classification: Likely benign. Last evaluated: 2025-08-18. Review status: criteria provided, single submitter. Criteria: ACMG Guidelines, 2015. Collection method: clinical testing. Allele origin: germline.

Mayo Clinic Laboratories, Mayo Clinic
Classification: Likely benign. Last evaluated: 2025-03-04. Review status: criteria provided, single submitter. Criteria: ACMG Guidelines, 2015. Collection method: clinical testing. Allele origin: germline. Observed: 9 variant alleles.
Comment: BP4, BP7

Blueprint Genetics
Classification: Likely benign. Last evaluated: 2024-11-27. Review status: criteria provided, single submitter. Criteria: ACMG Guidelines, 2015. Collection method: clinical testing. Allele origin: germline.

ARUP Laboratories, Molecular Genetics and Genomics, ARUP Laboratories
Classification: Likely benign. Last evaluated: 2023-11-29. Review status: criteria provided, single submitter. Criteria: ARUP Molecular Germline Variant Investigation Process 2024. Collection method: clinical testing. Allele origin: germline.

Breakthrough Genomics
Classification: Likely benign. Review status: criteria provided, single submitter. Criteria: ACMG Guidelines, 2015. Collection method: not provided. Allele origin: germline. Inheritance: Autosomal recessive inheritance. Affected: yes.

PreventionGenetics, part of Exact Sciences
Classification: Likely benign for PIEZO1-related condition. Last evaluated: 2019-04-12. Review status: no assertion criteria provided. Collection method: clinical testing. Allele origin: germline. Not counted in ClinVar's aggregate classification.
Comment: This variant is classified as likely benign based on ACMG/AMP sequence variant interpretation guidelines (Richards et al. 2015 PMID: 25741868, with internal and published modifications).

NM_001142864.4(PIEZO1):c.6164+10C>T

Gene: PIEZO1 (piezo type mechanosensitive ion channel component 1 (Er blood group); minus strand). Cytogenetic location: 16q24.3.
Variant type: single nucleotide variant.
Coding change: c.6164+10C>T on transcript NM_001142864.4 (MANE Select); 10 bases into the intron after coding-DNA position 6164, C replaced by T.
Molecular consequence: intron variant.
Genome position (GRCh38, 1-based): chr16:88,720,059, G>A on the plus strand (C>T on the coding strand, the complement: PIEZO1 is on the minus strand). VCF-style: chr16-88720059-G-A. GRCh37 (hg19) VCF-style: chr16-88786467-G-A.
Other names: p.?.
Identifiers: ClinVar variation 711991 (VCV000711991.24), dbSNP rs190051638, ClinGen allele CA8231704.